The following is an entry in ClinVar:

NM_000051.4(ATM):c.905C>T (p.Ala302Val)

Gene: ATM (ATM serine/threonine kinase; plus strand). Cytogenetic location: 11q22.3.
Variant type: single nucleotide variant.
Coding change: c.905C>T on transcript NM_000051.4 (MANE Select); coding-DNA position 905, C replaced by T.
Protein change: p.Ala302Val; replaces alanine 302 with valine.
Molecular consequence: missense variant.
Genome position (GRCh38, 1-based): chr11:108,246,967, C>T. VCF-style: chr11-108246967-C-T. GRCh37 (hg19) VCF-style: chr11-108117694-C-T.
Other names: c.905C>T, p.Ala302Val (NM_001351834.2); short protein forms A302V.
Identifiers: ClinVar variation 485213 (VCV000485213.20), dbSNP rs778442248, ClinGen allele CA6264710.
Genomic context (GRCh38, chr11:108,246,967, plus strand): 5'-TAGCAGTGTAAACAGAGTACATACATAAAAATTACATTTTAATTTTTTGGATTACAGGTG[C>T]TTATGAATCAACAAAATGGAGAAGTATTTTATACAACTTATATGATCTGCTAGTGAATGA-3'
Protein context (NP_000042.3, residues 292-312): PKGAKTQEKG[Ala302Val]YESTKWRSIL

ClinVar aggregate classification (germline): Uncertain significance. Review status: criteria provided, multiple submitters, no conflicts (2 of 4 stars). 4 submissions from 4 submitters: Uncertain significance (4). Last evaluated 2025-11-25.

Conditions:
Hereditary cancer-predisposing syndrome. Also called: Hereditary neoplastic syndrome; Neoplastic Syndromes, Hereditary; Tumor predisposition; Hereditary Cancer Syndrome. Identifiers: Orphanet 140162, MedGen C0027672, MeSH D009386, MONDO:0015356.
Ataxia-telangiectasia syndrome (AT). Also called: LOUIS-BAR SYNDROME; Cerebello-oculocutaneous telangiectasia; Immunodeficiency with ataxia telangiectasia; AT, COMPLEMENTATION GROUP C; Ataxia-telangiectasia, complementation group D; ATAXIA-TELANGIECTASIA, COMPLEMENTATION GROUP A. Identifiers: Orphanet 100, MedGen C0004135, MONDO:0008840, OMIM 208900.

Allele frequency attached by ClinVar (database versions not stated): gnomAD exomes below 0.00001; ExAC 0.00001.
gnomAD v4.1: 5 of 1,608,652 alleles (0.00031%); highest among the groups gnomAD compares: South Asian, 0.0044%; no homozygotes.

Submissions (4):

Ambry Genetics
Classification: Uncertain significance for Hereditary cancer-predisposing syndrome. Last evaluated: 2025-11-25. Review status: criteria provided, single submitter. Criteria: Ambry Variant Classification Scheme 2023. Collection method: clinical testing. Allele origin: germline.
Comment: The p.A302V variant (also known as c.905C>T), located in coding exon 7 of the ATM gene, results from a C to T substitution at nucleotide position 905. The alanine at codon 302 is replaced by valine, an amino acid with similar properties. This amino acid position is well conserved in available vertebrate species. In addition, this alteration is predicted to be tolerated by in silico analysis. Based on the available evidence, the clinical significance of this variant remains unclear.

Labcorp Genetics (formerly Invitae), Labcorp
Classification: Uncertain significance for Ataxia-telangiectasia syndrome. Last evaluated: 2025-06-20. Review status: criteria provided, single submitter. Criteria: Invitae Variant Classification Sherloc (09022015). Collection method: clinical testing. Allele origin: germline.
Comment: This sequence change replaces alanine, which is neutral and non-polar, with valine, which is neutral and non-polar, at codon 302 of the ATM protein (p.Ala302Val). This variant is present in population databases (rs778442248, gnomAD 0.003%). This missense change has been observed in individual(s) with ATM-related conditions (PMID: 34262154). ClinVar contains an entry for this variant (Variation ID: 485213). Invitae Evidence Modeling of protein sequence and biophysical properties (such as structural, functional, and spatial information, amino acid conservation, physicochemical variation, residue mobility, and thermodynamic stability) indicates that this missense variant is not expected to disrupt ATM protein function with a negative predictive value of 95%. In summary, the available evidence is currently insufficient to determine the role of this variant in disease. Therefore, it has been classified as a Variant of Uncertain Significance.

Color Diagnostics, LLC DBA Color Health
Classification: Uncertain significance for Hereditary cancer-predisposing syndrome. Last evaluated: 2023-12-04. Review status: criteria provided, single submitter. Criteria: ACMG Guidelines, 2015. Collection method: clinical testing. Allele origin: germline.
Comment: This missense variant replaces alanine with valine at codon 302 of the ATM protein. Computational prediction suggests that this variant may not impact protein structure and function (internally defined REVEL score threshold <= 0.5, PMID: 27666373). To our knowledge, functional studies have not been reported for this variant. This variant has not been reported in individuals affected with ATM-related disorders in the literature. This variant has been identified in 1/250458 chromosomes in the general population by the Genome Aggregation Database (gnomAD). The available evidence is insufficient to determine the role of this variant in disease conclusively. Therefore, this variant is classified as a Variant of Uncertain Significance.

Sema4
Classification: Uncertain significance for Hereditary cancer-predisposing syndrome. Last evaluated: 2021-07-29. Review status: criteria provided, single submitter. Criteria: Sema4 Curation Guidelines. Collection method: curation. Allele origin: germline.
Comment: The ATM c.905C>T (p.A302V) variant has not been reported in the literature to our knowledge. It was observed in 1/250458 chromosomes in the large and broad cohorts of the Genome Aggregation Database (PMID: 32461654). The variant has been reported in ClinVar (Variation ID 485213). Functional studies have not been performed, and in silico predictions of the variant's effect on protein function are inconclusive. The evidence is insufficient to meet ACMG/AMP criteria for classifying the variant as benign or pathogenic. Thus, the clinical significance of this variant is currently uncertain.

Literature cited by the submitters: PubMed 34262154 (cited by Labcorp Genetics (formerly Invitae), Labcorp).